The following is an entry in ClinVar:

ClinVar aggregate classification (germline): Uncertain significance (1 of 4 stars; one submission).

Submission:

Labcorp Genetics (formerly Invitae), Labcorp
Classification: Uncertain significance. Last evaluated: 2022-02-19. Review status: criteria provided, single submitter. Criteria: Invitae Variant Classification Sherloc (09022015). Collection method: clinical testing. Allele origin: germline.
Comment: In summary, the available evidence is currently insufficient to determine the role of this variant in disease. Therefore, it has been classified as a Variant of Uncertain Significance. Algorithms developed to predict the effect of missense changes on protein structure and function are either unavailable or do not agree on the potential impact of this missense change (SIFT: "Deleterious"; PolyPhen-2: "Benign"; Align-GVGD: "Class C65"). This variant has not been reported in the literature in individuals affected with COL4A6-related conditions. This variant is not present in population databases (gnomAD no frequency). This sequence change replaces methionine, which is neutral and non-polar, with arginine, which is basic and polar, at codon 1333 of the COL4A6 protein (p.Met1333Arg).

NM_033641.4(COL4A6):c.3995T>G (p.Met1332Arg)

Gene: COL4A6 (collagen type IV alpha 6 chain; minus strand). Cytogenetic location: Xq22.3.
Variant type: single nucleotide variant.
Coding change: c.3995T>G on transcript NM_033641.4 (MANE Select); coding-DNA position 3995, T replaced by G.
Protein change: p.Met1332Arg; replaces methionine 1332 with arginine.
Molecular consequence: missense variant. On other transcripts: intron variant (1).
Genome position (GRCh38, 1-based): chrX:108,164,674, A>C on the plus strand (T>G on the coding strand, the complement: COL4A6 is on the minus strand). VCF-style: chrX-108164674-A-C. GRCh37 (hg19) VCF-style: chrX-107407904-A-C.
Other names: c.4046T>G, p.Met1349Arg (NM_001287758.2); c.3923T>G, p.Met1308Arg (NM_001287759.2); c.3998T>G, p.Met1333Arg (NM_001847.4); c.3898+203T>G (NM_001287760.2); short protein forms M1332R, M1308R, M1333R, M1349R.
Identifiers: ClinVar variation 1928730 (VCV001928730.5), dbSNP rs762746165, ClinGen allele CA413853116.